The following is an entry in ClinVar:

ClinVar aggregate classification (germline): Pathogenic (1 of 4 stars; one submission).

Conditions:
Tuberous sclerosis 2 (TSC2). Identifiers: Orphanet 805, MedGen C1860707, MONDO:0013199, OMIM 613254.

Submission:

Labcorp Genetics (formerly Invitae), Labcorp
Classification: Pathogenic for Tuberous sclerosis 2. Last evaluated: 2019-03-26. Review status: criteria provided, single submitter. Criteria: Invitae Variant Classification Sherloc (09022015). Collection method: clinical testing. Allele origin: germline.
Comment: For these reasons, this variant has been classified as Pathogenic. Loss-of-function variants in TSC2 are known to be pathogenic (PMID: 10205261, 17304050). This variant has not been reported in the literature in individuals with TSC2-related conditions. This variant is not present in population databases (ExAC no frequency). This sequence change creates a premature translational stop signal (p.Gln35Hisfs*31) in the TSC2 gene. It is expected to result in an absent or disrupted protein product.

Literature cited by the submitters: PubMed 10205261; PubMed 17304050.

NM_000548.5(TSC2):c.105_106del (p.Gln35fs)

Gene: TSC2 (TSC complex subunit 2; plus strand). Cytogenetic location: 16p13.3.
Variant type: Deletion.
Coding change: c.105_106del on transcript NM_000548.5 (MANE Select); coding-DNA positions 105 to 106, 2 bases deleted (GA; older notation c.105_106delGA).
Protein change: p.Gln35fs; shifts the reading frame from glutamine 35.
Molecular consequence: frameshift variant. On other transcripts: 5 prime UTR variant (1), intron variant (1).
Genome position (GRCh38, 1-based): chr16:2,048,720-2,048,721, GA deleted; deleting any 2 consecutive bases within chr16:2,048,719-2,048,721 gives the same sequence; the c. name uses the placement nearest the transcript's 3' end. VCF-style (leftmost placement, unchanged base first): chr16-2048718-CAG-C. GRCh37 (hg19) VCF-style: chr16-2098719-CAG-C.
Other names: c.105_106del, p.Gln35fs (NM_001114382.3, NM_001318827.2, NM_001077183.3 and 4 more transcripts); c.-122_-121del (NM_001318831.2); c.138_139del, p.Gln46fs (NM_001318832.2); c.-10+655_-10+656del (NM_001318829.2); short protein forms Q35fs, Q46fs.
Identifiers: ClinVar variation 861778 (VCV000861778.7), dbSNP rs2084681207, ClinGen allele CA916081756.